The following is an entry in ClinVar:

ClinVar aggregate classification (germline): Uncertain significance (1 of 4 stars; one submission).

Allele frequency attached by ClinVar (database versions not stated): TOPMed below 0.00001; ExAC 0.00001; gnomAD exomes 0.00001.
gnomAD v4.1: 3 of 1,606,934 alleles (0.00019%); highest among the groups gnomAD compares: Non-Finnish European, 0.00026%; no homozygotes.

Submission:

Labcorp Genetics (formerly Invitae), Labcorp
Classification: Uncertain significance. Last evaluated: 2022-01-15. Review status: criteria provided, single submitter. Criteria: Invitae Variant Classification Sherloc (09022015). Collection method: clinical testing. Allele origin: germline.
Comment: This sequence change replaces valine, which is neutral and non-polar, with isoleucine, which is neutral and non-polar, at codon 79 of the PCYT1A protein (p.Val79Ile). This variant is present in population databases (rs759039449, gnomAD 0.002%). This variant has not been reported in the literature in individuals affected with PCYT1A-related conditions. ClinVar contains an entry for this variant (Variation ID: 1018630). Algorithms developed to predict the effect of missense changes on protein structure and function are either unavailable or do not agree on the potential impact of this missense change (SIFT: "Tolerated"; PolyPhen-2: "Possibly Damaging"; Align-GVGD: "Class C0"). In summary, the available evidence is currently insufficient to determine the role of this variant in disease. Therefore, it has been classified as a Variant of Uncertain Significance.

NM_001312673.2(PCYT1A):c.235G>A (p.Val79Ile)

Gene: PCYT1A (phosphate cytidylyltransferase 1A, choline; minus strand). Cytogenetic location: 3q29.
Variant type: single nucleotide variant.
Coding change: c.235G>A on transcript NM_001312673.2 (MANE Select); coding-DNA position 235, G replaced by A.
Protein change: p.Val79Ile; replaces valine 79 with isoleucine.
Molecular consequence: missense variant.
Genome position (GRCh38, 1-based): chr3:196,248,306, C>T on the plus strand (G>A on the coding strand, the complement: PCYT1A is on the minus strand). VCF-style: chr3-196248306-C-T. GRCh37 (hg19) VCF-style: chr3-195975177-C-T.
Other names: c.235G>A, p.Val79Ile (NM_005017.4); short protein forms V79I.
Identifiers: ClinVar variation 1018630 (VCV001018630.5), dbSNP rs759039449, ClinGen allele CA2779586.